The following is an entry in ClinVar:

ClinVar aggregate classification (germline): Pathogenic (1 of 4 stars; one submission).

Conditions:
Autosomal recessive severe congenital neutropenia due to CSF3R deficiency. Also called: Neutropenia, severe congenital, 7, autosomal recessive. Identifiers: Orphanet 420702, MedGen C4310764, MONDO:0014865, OMIM 617014.

Submission:

Labcorp Genetics (formerly Invitae), Labcorp
Classification: Pathogenic for Autosomal recessive severe congenital neutropenia due to CSF3R deficiency. Last evaluated: 2025-10-03. Review status: criteria provided, single submitter. Criteria: Invitae Variant Classification Sherloc (09022015). Collection method: clinical testing. Allele origin: germline.
Comment: This sequence change creates a premature translational stop signal (p.Ser469Alafs*22) in the CSF3R gene. It is expected to result in an absent or disrupted protein product. Loss-of-function variants in CSF3R are known to be pathogenic (PMID: 24753537, 26324699). The frequency data for this variant in the population databases is considered unreliable, as metrics indicate poor data quality at this position in the gnomAD database. This variant has not been reported in the literature in individuals affected with CSF3R-related conditions. ClinVar contains an entry for this variant (Variation ID: 971335). For these reasons, this variant has been classified as Pathogenic.

Literature cited by the submitters: PubMed 24753537; PubMed 26324699.

NM_000760.4(CSF3R):c.1404del (p.Ser469fs)

Gene: CSF3R (colony stimulating factor 3 receptor; minus strand). Cytogenetic location: 1p34.3.
Variant type: Deletion.
Coding change: c.1404del on transcript NM_000760.4 (MANE Select); coding-DNA position 1404, one base deleted (C; older notation c.1404delC).
Protein change: p.Ser469fs; shifts the reading frame from serine 469.
Molecular consequence: frameshift variant.
Genome position (GRCh38, 1-based): chr1:36,469,722, G deleted on the plus strand (C on the coding strand, the reverse complement: CSF3R is on the minus strand); the first of 7 consecutive G bases (chr1:36,469,722-36,469,728); deleting any one gives the same sequence. VCF-style (leftmost placement, unchanged base first): chr1-36469721-TG-T. GRCh37 (hg19) VCF-style: chr1-36935322-TG-T.
Other names: c.1404del, p.Ser469fs (NM_156039.3, NM_172313.3); short protein forms S469fs.
Identifiers: ClinVar variation 971335 (VCV000971335.7), dbSNP rs747437399, ClinGen allele CA769202.